The following is an entry in ClinVar:

NM_025114.4(CEP290):c.7210-22T>C

Genes: CEP290 (centrosomal protein 290; minus strand), RLIG1 (RNA 5'-phosphate and 3'-OH ligase 1; plus strand). Cytogenetic location: 12q21.32.
Variant type: single nucleotide variant.
Coding change: c.7210-22T>C on transcript NM_025114.4 (MANE Select); 22 bases into the intron before coding-DNA position 7210, T replaced by C.
Molecular consequence: intron variant. On other transcripts: 3 prime UTR variant (1).
Genome position (GRCh38, 1-based): chr12:88,049,436, A>G on the plus strand (T>C on the coding strand, the complement: CEP290 is on the minus strand). VCF-style: chr12-88049436-A-G. GRCh37 (hg19) VCF-style: chr12-88443213-A-G.
Other names: c.*1014A>G (NM_001009894.3).
Identifiers: ClinVar variation 126268 (VCV000126268.12), dbSNP rs45613639, ClinGen allele CA150924.
Genomic context (GRCh38, chr12:88,049,436, plus strand): 5'-AAAATTTTCCAGTTCTTTTTTCAGCTTCTTTATTTCCTCCTAATGGAAACATTATCTTTA[A>G]AAGTTGCATATAGGAAATATACATATTTTACGTTTGAACAAGGAGATTTAATTGTAAATA-3'

ClinVar aggregate classification (germline): Benign. Review status: reviewed by expert panel (3 of 4 stars). 5 submissions from 5 submitters: Benign (1). 4 of the submissions do not count toward it. Last evaluated 2026-07-20.

Conditions:
CEP290-related ciliopathy. Also called: CEP290 ciliopathy. Identifiers: MedGen CN305601, MONDO:0100451.

Allele frequency attached by ClinVar (database versions not stated): gnomAD 0.01581 and 0.01569; gnomAD exomes 0.01976 and 0.01533; ESP Exome Variant Server 0.01268; ExAC 0.01525; 1000 Genomes Project 30x 0.01405; TOPMed 0.01433; 1000 Genomes Project 0.01617.
gnomAD v4.1: 22,613 of 1,180,658 alleles (1.9%); highest among the groups gnomAD compares: East Asian, 3.7%; 294 homozygotes.

Submissions (5):

ClinGen Leber Congenital Amaurosis/early Onset Retinal Dystrophy Variant Curation Expert Panel, ClinGen
Classification: Benign for CEP290-related ciliopathy. Last evaluated: 2026-07-20. Review status: reviewed by expert panel. Criteria: ClinGen LCAeoRD ACMG Specifications CEP290 V1.0.0. Collection method: curation. Allele origin: germline. Inheritance: Autosomal recessive inheritance.
Comment: NM_025114.4(CEP290):c.7210-22T>C is a variant in intron 53 that is located outside of the splice acceptor region between -1 and -21, but has an indeterminate prediction of impact on splicing, so BP7 is not met. The splicing impact predictor SpliceAI gives a delta score of 0.14, which predicts a low or indeterminate impact on splicing. Neither PP3 nor BP4 is met. This variant is present in gnomAD v4.1.1 at a Grpmax allele frequency of 0.0356, with 22,613 alleles / 1,180,658 total alleles in the East Asian population, which is higher than the ClinGen LCA/eoRD VCEP BA1 threshold of >0.016 (BA1). This variant has been found in the homozygous state in 294 adult individuals in gnomAD which exceeds the LCA/eoRD VCEP threshold of ≥6 (gnomAD version 4.1.1; BS2). In summary, this variant meets the criteria to be classified as Benign for CEP290-related retinopathy based on the ACMG/AMP criteria applied, as specified by the ClinGen LCA/eoRD VCEP: BA1, BS2. (LCA/eoRD VCEP Specifications for CEP290 Version 1.0.0)

GeneDx
Classification: Likely benign. Last evaluated: 2018-07-27. Review status: criteria provided, single submitter. Criteria: GeneDx Variant Classification Process June 2021. Collection method: clinical testing. Allele origin: germline. Affected: yes. Not counted in ClinVar's aggregate classification.

Breakthrough Genomics
Classification: Likely benign. Review status: criteria provided, single submitter. Criteria: ACMG Guidelines, 2015. Collection method: not provided. Allele origin: germline. Inheritance: Autosomal recessive inheritance. Affected: yes. Not counted in ClinVar's aggregate classification.

PreventionGenetics, part of Exact Sciences
Classification: Likely benign. Review status: criteria provided, single submitter. Criteria: ACMG Guidelines, 2015. Collection method: clinical testing. Allele origin: germline. Not counted in ClinVar's aggregate classification.

Genetic Services Laboratory, University of Chicago
Classification: Likely benign for AllHighlyPenetrant. Review status: no assertion criteria provided. Collection method: clinical testing. Allele origin: germline. Inheritance: Autosomal recessive inheritance. Observed: 4 variant alleles. Not counted in ClinVar's aggregate classification.
Comment: Likely benign based on allele frequency in 1000 Genomes Project or ESP global frequency and its presence in a patient with a rare or unrelated disease phenotype. NOT Sanger confirmed.